The following is an entry in ClinVar:

NM_001942.4(DSG1):c.2915G>A (p.Gly972Asp)

Genes: DSG1 (desmoglein 1; plus strand), DSG1-AS1 (DSG1 antisense RNA 1; minus strand). Cytogenetic location: 18q12.1.
Variant type: single nucleotide variant.
Coding change: c.2915G>A on transcript NM_001942.4 (MANE Select); coding-DNA position 2915, G replaced by A.
Protein change: p.Gly972Asp; replaces glycine 972 with aspartic acid.
Molecular consequence: missense variant.
Genome position (GRCh38, 1-based): chr18:31,355,111, G>A. VCF-style: chr18-31355111-G-A. GRCh37 (hg19) VCF-style: chr18-28935074-G-A.
Other names: short protein forms G972D.
Identifiers: ClinVar variation 4696438 (VCV004696438.1).

ClinVar aggregate classification (germline): Uncertain significance (1 of 4 stars; one submission).

Submission:

Labcorp Genetics (formerly Invitae), Labcorp
Classification: Uncertain significance. Last evaluated: 2025-02-19. Review status: criteria provided, single submitter. Criteria: Invitae Variant Classification Sherloc (09022015). Collection method: clinical testing. Allele origin: germline.
Comment: This sequence change replaces glycine, which is neutral and non-polar, with aspartic acid, which is acidic and polar, at codon 972 of the DSG1 protein (p.Gly972Asp). This variant is not present in population databases (gnomAD no frequency). This variant has not been reported in the literature in individuals affected with DSG1-related conditions. An algorithm developed to predict the effect of missense changes on protein structure and function (PolyPhen-2) suggests that this variant is likely to be tolerated. In summary, the available evidence is currently insufficient to determine the role of this variant in disease. Therefore, it has been classified as a Variant of Uncertain Significance.